The following is an entry in ClinVar:

ClinVar aggregate classification (germline): Uncertain significance (1 of 4 stars; one submission).

Submission:

GeneDx
Classification: Uncertain significance. Last evaluated: 2021-06-26. Review status: criteria provided, single submitter. Criteria: GeneDx Variant Classification Process June 2021. Collection method: clinical testing. Allele origin: germline. Affected: yes.
Comment: Not observed at significant frequency in large population cohorts (Lek et al., 2016); In silico analysis supports that this missense variant does not alter protein structure/function; Has not been previously published as pathogenic or benign to our knowledge; This variant is associated with the following publications: (PMID: 27535533)

NM_001042681.2(RERE):c.2877G>T (p.Met959Ile)

Gene: RERE (arginine-glutamic acid dipeptide repeats; minus strand). Cytogenetic location: 1p36.23.
Variant type: single nucleotide variant.
Coding change: c.2877G>T on transcript NM_001042681.2 (MANE Select); coding-DNA position 2877, G replaced by T.
Protein change: p.Met959Ile; replaces methionine 959 with isoleucine.
Molecular consequence: missense variant.
Genome position (GRCh38, 1-based): chr1:8,360,630, C>A on the plus strand (G>T on the coding strand, the complement: RERE is on the minus strand). VCF-style: chr1-8360630-C-A. GRCh37 (hg19) VCF-style: chr1-8420690-C-A.
Other names: c.1215G>T, p.Met405Ile (NM_001042682.2); c.2877G>T, p.Met959Ile (NM_012102.4); short protein forms M405I, M959I.
Identifiers: ClinVar variation 1329602 (VCV001329602.2), dbSNP rs2124367048, ClinGen allele CA338171719.